The following is an entry in ClinVar:

ClinVar aggregate classification (germline): Likely benign (1 of 4 stars; one submission).

Submission:

CeGaT Center for Human Genetics Tuebingen
Classification: Likely benign. Last evaluated: 2022-06-01. Review status: criteria provided, single submitter. Criteria: CeGaT Center For Human Genetics Tuebingen Variant Classification Criteria Version 2. Collection method: clinical testing. Allele origin: germline. Affected: yes. Observed: 1 variant allele.
Comment: PLEC: BP4, BP7

NM_201384.3(PLEC):c.7038G>A (p.Leu2346=)

Gene: PLEC (plectin; minus strand). Cytogenetic location: 8q24.3.
Variant type: single nucleotide variant.
Coding change: c.7038G>A on transcript NM_201384.3 (MANE Select); coding-DNA position 7038, G replaced by A.
Protein change: p.Leu2346=; no amino-acid change (leucine 2346 retained).
Molecular consequence: synonymous variant. On other transcripts: intron variant (1).
Genome position (GRCh38, 1-based): chr8:143,922,891, C>T on the plus strand (G>A on the coding strand, the complement: PLEC is on the minus strand). VCF-style: chr8-143922891-C-T. GRCh37 (hg19) VCF-style: chr8-144997059-C-T.
Other names: c.7119G>A, p.Leu2373= (NM_000445.5); c.6996G>A, p.Leu2332= (NM_201378.4); c.6972G>A, p.Leu2324= (NM_201379.3); c.7449G>A, p.Leu2483= (NM_201380.4); c.6942G>A, p.Leu2314= (NM_201381.3); c.7038G>A, p.Leu2346= (NM_201382.4); c.7050G>A, p.Leu2350= (NM_201383.3); c.4126-496G>A (NM_001410941.1).
Identifiers: ClinVar variation 2658950 (VCV002658950.24), dbSNP rs781841684, ClinGen allele CA463533582.